The following is an entry in ClinVar:

NM_006015.6(ARID1A):c.3199-15G>A

Gene: ARID1A (AT-rich interaction domain 1A; plus strand). Cytogenetic location: 1p36.11.
Variant type: single nucleotide variant.
Coding change: c.3199-15G>A on transcript NM_006015.6 (MANE Select); 15 bases into the intron before coding-DNA position 3199, G replaced by A.
Molecular consequence: intron variant.
Genome position (GRCh38, 1-based): chr1:26,771,104, G>A. VCF-style: chr1-26771104-G-A. GRCh37 (hg19) VCF-style: chr1-27097595-G-A.
Other names: c.3199-15G>A (NM_139135.4).
Identifiers: ClinVar variation 3256744 (VCV003256744.1).

ClinVar aggregate classification (germline): Likely pathogenic (0 of 4 stars; one submission).

Conditions:
Intellectual disability, autosomal dominant 14 (CSS2). Also called: COFFIN-SIRIS SYNDROME 2. Identifiers: Orphanet 1465, MedGen C3553247, MONDO:0013819, OMIM 614607.

Submission:

Solve-RD Consortium
Classification: Likely pathogenic for Intellectual disability, autosomal dominant 14. Last evaluated: 2022-06-01. Review status: no assertion criteria provided. Collection method: provider interpretation. Allele origin: inherited. Affected: yes.
Comment: Variant confirmed as disease-causing by referring clinical team

Variant identified during reanalysis of unsolved cases by the Solve-RD project. The Solve-RD project has received funding from the European Union’s Horizon 2020 research and innovation programme under grant agreement No 779257.

Literature cited by the submitters: PubMed 39825153.